The following is an entry in ClinVar:

NM_001197104.2(KMT2A):c.1822C>T (p.Arg608Ter)

Gene: KMT2A (lysine methyltransferase 2A; plus strand). Cytogenetic location: 11q23.3.
Variant type: single nucleotide variant.
Coding change: c.1822C>T on transcript NM_001197104.2 (MANE Select); coding-DNA position 1822, C replaced by T.
Protein change: p.Arg608Ter; replaces arginine 608 with a stop codon.
Molecular consequence: nonsense.
Genome position (GRCh38, 1-based): chr11:118,472,981, C>T. VCF-style: chr11-118472981-C-T. GRCh37 (hg19) VCF-style: chr11-118343696-C-T.
Other names: c.1822C>T, p.Arg608Ter (NM_005933.4); short protein forms R608*.
Identifiers: ClinVar variation 857752 (VCV000857752.8), dbSNP rs1949970237, ClinGen allele CA382811154.

ClinVar aggregate classification (germline): Pathogenic/Likely pathogenic. Review status: criteria provided, multiple submitters, no conflicts (2 of 4 stars). 2 submissions from 2 submitters: Pathogenic (1); Likely pathogenic (1). Last evaluated 2023-09-07.

Conditions:
Wiedemann-Steiner syndrome (WDSTS). Also called: Growth deficiency and mental retardation with facial dysmorphism. Identifiers: Orphanet 319182, MedGen C1854630, MONDO:0011518, OMIM 605130.

Submissions (2):

Revvity Omics, Revvity
Classification: Likely pathogenic for Wiedemann-Steiner syndrome. Last evaluated: 2023-09-07. Review status: criteria provided, single submitter. Criteria: ACMG Guidelines, 2015. Collection method: clinical testing. Allele origin: germline.

Labcorp Genetics (formerly Invitae), Labcorp
Classification: Pathogenic. Last evaluated: 2019-03-18. Review status: criteria provided, single submitter. Criteria: Invitae Variant Classification Sherloc (09022015). Collection method: clinical testing. Allele origin: germline.
Comment: This sequence change creates a premature translational stop signal (p.Arg608*) in the KMT2A gene. It is expected to result in an absent or disrupted protein product. For these reasons, this variant has been classified as Pathogenic. Loss-of-function variants in KMT2A are known to be pathogenic (PMID: 22795537, 25810209). This variant has not been reported in the literature in individuals with KMT2A-related conditions. This variant is not present in population databases (ExAC no frequency).

Literature cited by the submitters: PubMed 22795537 (cited by Labcorp Genetics (formerly Invitae), Labcorp); PubMed 25810209 (cited by Labcorp Genetics (formerly Invitae), Labcorp).